The following is an entry in ClinVar:

NM_001163809.2(WDR81):c.4791C>G (p.Ser1597Arg)

Gene: WDR81 (WD repeat domain 81; plus strand). Cytogenetic location: 17p13.3.
Variant type: single nucleotide variant.
Coding change: c.4791C>G on transcript NM_001163809.2 (MANE Select); coding-DNA position 4791, C replaced by G.
Protein change: p.Ser1597Arg; replaces serine 1597 with arginine.
Molecular consequence: missense variant.
Genome position (GRCh38, 1-based): chr17:1,733,828, C>G. VCF-style: chr17-1733828-C-G. GRCh37 (hg19) VCF-style: chr17-1637122-C-G.
Other names: c.1182C>G, p.Ser394Arg (NM_001163673.2); c.1110C>G, p.Ser370Arg (NM_001163811.2); c.1638C>G, p.Ser546Arg (NM_152348.4); short protein forms S1597R, S370R, S394R, S546R.
Identifiers: ClinVar variation 4880907 (VCV004880907.2).

ClinVar aggregate classification (germline): Uncertain significance (1 of 4 stars; one submission).

Submission:

Dasa
Classification: Uncertain significance. Last evaluated: 2024-12-05. Review status: criteria provided, single submitter. Criteria: DASA Assertion Criteria. Collection method: clinical testing. Allele origin: germline.
Comment: NM_001163809.2(WDR81):c.4791C>G (p.Ser1597Arg) is a missense variant that results in the substitution of serine with arginine. This variant is rare in population databases. Computational prediction algorithms are consistent with a benign effect. The currently available literature and clinical evidence are not sufficient to establish a definitive association between this variant and the reported condition. Therefore, this variant is classified as a variant of uncertain significance.